The following is an entry in ClinVar:

ClinVar aggregate classification (germline): Uncertain significance (1 of 4 stars; one submission).

Submission:

Labcorp Genetics (formerly Invitae), Labcorp
Classification: Uncertain significance. Last evaluated: 2025-09-16. Review status: criteria provided, single submitter. Criteria: Invitae Variant Classification Sherloc (09022015). Collection method: clinical testing. Allele origin: germline.
Comment: This variant, c.167_175del, results in the deletion of 3 amino acid(s) of the CDK13 protein (p.Pro56_Leu58del), but otherwise preserves the integrity of the reading frame. This variant is present in population databases (no rsID available, gnomAD 0.007%). This variant has not been reported in the literature in individuals affected with CDK13-related conditions. ClinVar contains an entry for this variant (Variation ID: 2868838). Experimental studies and prediction algorithms are not available or were not evaluated, and the functional significance of this variant is currently unknown. In summary, the available evidence is currently insufficient to determine the role of this variant in disease. Therefore, it has been classified as a Variant of Uncertain Significance.

NM_003718.5(CDK13):c.167_175del (p.Pro56_Leu58del)

Gene: CDK13 (cyclin dependent kinase 13; plus strand). Cytogenetic location: 7p14.1.
Variant type: Deletion.
Coding change: c.167_175del on transcript NM_003718.5 (MANE Select); coding-DNA positions 167 to 175, 9 bases deleted (CGCCTCTGC; older notation c.167_175delCGCCTCTGC).
Protein change: p.Pro56_Leu58del.
Molecular consequence: inframe indel (on NM_031267.4).
Genome position (GRCh38, 1-based): chr7:39,950,808-39,950,816, CGCCTCTGC deleted; deleting any 9 consecutive bases within chr7:39,950,806-39,950,816 gives the same sequence; the c. name uses the placement nearest the transcript's 3' end. VCF-style (leftmost placement, unchanged base first): chr7-39950805-CGCCGCCTCT-C. GRCh37 (hg19) VCF-style: chr7-39990404-CGCCGCCTCT-C.
Other names: c.167_175delCGCCTCTGC, p.Pro56_Leu58del (NM_031267.4).
Identifiers: ClinVar variation 2868838 (VCV002868838.3), dbSNP rs1258678572, ClinGen allele CA574230802.